The following is an entry in ClinVar:

ClinVar aggregate classification (germline): Uncertain significance (1 of 4 stars; one submission).

Conditions:
Congenital myasthenic syndrome 14. Also called: Myasthenic syndrome, congenital, 14, with tubular aggregates. Identifiers: Orphanet 353327, Orphanet 590, MedGen C4015597, MONDO:0014543, OMIM 616228.
Congenital disorder of glycosylation, type Ii. Also called: ALG2-congenital disorder of glycosylation; ALG2-CDG; CDG Ii. Identifiers: Orphanet 79326, MedGen C1842836, MONDO:0011933, OMIM 607906.

Allele frequency attached by ClinVar (database versions not stated): gnomAD exomes below 0.00001 and 0.00001; gnomAD 0.00001; TOPMed 0.00001; ExAC 0.00001.

Submission:

Labcorp Genetics (formerly Invitae), Labcorp
Classification: Uncertain significance for Congenital disorder of glycosylation, type Ii; Congenital myasthenic syndrome 14. Last evaluated: 2022-07-14. Review status: criteria provided, single submitter. Criteria: Invitae Variant Classification Sherloc (09022015). Collection method: clinical testing. Allele origin: germline.
Comment: In summary, the available evidence is currently insufficient to determine the role of this variant in disease. Therefore, it has been classified as a Variant of Uncertain Significance. Algorithms developed to predict the effect of missense changes on protein structure and function are either unavailable or do not agree on the potential impact of this missense change (SIFT: "Tolerated"; PolyPhen-2: "Probably Damaging"; Align-GVGD: "Class C0"). ClinVar contains an entry for this variant (Variation ID: 577856). This variant has not been reported in the literature in individuals affected with ALG2-related conditions. This variant is present in population databases (rs746092484, gnomAD 0.007%). This sequence change replaces proline, which is neutral and non-polar, with leucine, which is neutral and non-polar, at codon 158 of the ALG2 protein (p.Pro158Leu).

NM_033087.4(ALG2):c.473C>T (p.Pro158Leu)

Gene: ALG2 (ALG2 alpha-1,3/1,6-mannosyltransferase; minus strand). Cytogenetic location: 9q22.33.
Variant type: single nucleotide variant.
Coding change: c.473C>T on transcript NM_033087.4 (MANE Select); coding-DNA position 473, C replaced by T.
Protein change: p.Pro158Leu; replaces proline 158 with leucine.
Molecular consequence: missense variant. On other transcripts: non-coding transcript variant (1).
Genome position (GRCh38, 1-based): chr9:99,218,712, G>A on the plus strand (C>T on the coding strand, the complement: ALG2 is on the minus strand). VCF-style: chr9-99218712-G-A. GRCh37 (hg19) VCF-style: chr9-101980994-G-A.
Other names: short protein forms P158L.
Identifiers: ClinVar variation 577856 (VCV000577856.8), dbSNP rs746092484, ClinGen allele CA5156310.